The following is an entry in ClinVar:

NM_000051.4(ATM):c.7661A>T (p.His2554Leu)

Genes: ATM (ATM serine/threonine kinase; plus strand), C11orf65 (chromosome 11 open reading frame 65; minus strand). Cytogenetic location: 11q22.3.
Variant type: single nucleotide variant.
Coding change: c.7661A>T on transcript NM_000051.4 (MANE Select); coding-DNA position 7661, A replaced by T.
Protein change: p.His2554Leu; replaces histidine 2554 with leucine.
Molecular consequence: missense variant. On other transcripts: intron variant (2).
Genome position (GRCh38, 1-based): chr11:108,331,910, A>T. VCF-style: chr11-108331910-A-T. GRCh37 (hg19) VCF-style: chr11-108202637-A-T.
Other names: c.7661A>T, p.His2554Leu (NM_001351834.2); c.641-22839T>A (NM_001330368.2); c.*38+3310T>A (NM_001351110.2); short protein forms H2554L.
Identifiers: ClinVar variation 479065 (VCV000479065.14), dbSNP rs1555124487, ClinGen allele CA382560952.
Genomic context (GRCh38, chr11:108,331,910, plus strand): 5'-GCATAAATCTAATAGTTCTTTTCTTACAGCTAATCTCTAGAATTTCAATGGATCACCCCC[A>T]TCACACTTTGTTTATTATACTGGCCTTAGCAAATGCAAACAGAGATGAATTTCTGACTAA-3'
Protein context (NP_000042.3, residues 2544-2564): LISRISMDHP[His2554Leu]HTLFIILALA

ClinVar aggregate classification (germline): Uncertain significance. Review status: criteria provided, multiple submitters, no conflicts (2 of 4 stars). 2 submissions from 2 submitters: Uncertain significance (2). Last evaluated 2025-08-22.

Conditions:
Hereditary cancer-predisposing syndrome. Also called: Neoplastic Syndromes, Hereditary; Hereditary Cancer Syndrome; Tumor predisposition; Hereditary neoplastic syndrome. Identifiers: Orphanet 140162, MedGen C0027672, MeSH D009386, MONDO:0015356.
Ataxia-telangiectasia syndrome (AT). Also called: LOUIS-BAR SYNDROME; Cerebello-oculocutaneous telangiectasia; Immunodeficiency with ataxia telangiectasia; Ataxia-telangiectasia, complementation group D; AT, COMPLEMENTATION GROUP C; Ataxia-telangiectasia, complementation group E. Identifiers: Orphanet 100, MedGen C0004135, MONDO:0008840, OMIM 208900.

Submissions (2):

Ambry Genetics
Classification: Uncertain significance for Hereditary cancer-predisposing syndrome. Last evaluated: 2025-08-22. Review status: criteria provided, single submitter. Criteria: Ambry Variant Classification Scheme 2023. Collection method: clinical testing. Allele origin: germline.
Comment: The p.H2554L variant (also known as c.7661A>T), located in coding exon 51 of the ATM gene, results from an A to T substitution at nucleotide position 7661. The histidine at codon 2554 is replaced by leucine, an amino acid with similar properties. This amino acid position is highly conserved in available vertebrate species. In addition, this alteration is predicted to be deleterious by in silico analysis. Since supporting evidence is limited at this time, the clinical significance of this alteration remains unclear.

Labcorp Genetics (formerly Invitae), Labcorp
Classification: Uncertain significance for Ataxia-telangiectasia syndrome. Last evaluated: 2024-12-30. Review status: criteria provided, single submitter. Criteria: Invitae Variant Classification Sherloc (09022015). Collection method: clinical testing. Allele origin: germline.
Comment: This sequence change replaces histidine, which is basic and polar, with leucine, which is neutral and non-polar, at codon 2554 of the ATM protein (p.His2554Leu). This variant is not present in population databases (gnomAD no frequency). This variant has not been reported in the literature in individuals affected with ATM-related conditions. ClinVar contains an entry for this variant (Variation ID: 479065). Invitae Evidence Modeling of protein sequence and biophysical properties (such as structural, functional, and spatial information, amino acid conservation, physicochemical variation, residue mobility, and thermodynamic stability) indicates that this missense variant is expected to disrupt ATM protein function with a positive predictive value of 95%. In summary, the available evidence is currently insufficient to determine the role of this variant in disease. Therefore, it has been classified as a Variant of Uncertain Significance.